The following is an entry in ClinVar:

ClinVar aggregate classification (germline): Uncertain significance. Review status: criteria provided, multiple submitters, no conflicts (2 of 4 stars). 2 submissions from 2 submitters: Uncertain significance (2). Last evaluated 2025-05-09.

Conditions:
FBN1-related disorder. Also called: FBN1-related disorders.
Marfan syndrome (MFS). Also called: MARFAN SYNDROME, TYPE I; Marfan syndrome type 1; Marfan's syndrome; Marfan syndrome, classic; FBN1-Related Marfan Syndrome. Identifiers: Orphanet 284963, Orphanet 558, MedGen C0024796, MONDO:0007947, OMIM 154700.
Familial thoracic aortic aneurysm and aortic dissection (TAAD). Also called: Thoracic aortic aneurysms and dissections. Identifiers: Orphanet 91387, MedGen C4707243, MONDO:0019625.

Submissions (2):

PreventionGenetics, part of Exact Sciences
Classification: Uncertain significance for FBN1-related condition. Last evaluated: 2025-05-09. Review status: criteria provided, single submitter. Criteria: ACMG Guidelines, 2015. Collection method: clinical testing. Allele origin: germline.
Comment: The FBN1 c.3059C>A variant is predicted to result in the amino acid substitution p.Thr1020Lys. To our knowledge, this variant has not been reported in the literature or in a large population database (gnomAD), indicating this variant is rare. At this time, the clinical significance of this variant is uncertain due to the absence of conclusive functional and genetic evidence.

Labcorp Genetics (formerly Invitae), Labcorp
Classification: Uncertain significance for Marfan syndrome; Familial thoracic aortic aneurysm and aortic dissection. Last evaluated: 2023-09-19. Review status: criteria provided, single submitter. Criteria: Invitae Variant Classification Sherloc (09022015). Collection method: clinical testing. Allele origin: germline.
Comment: In summary, the available evidence is currently insufficient to determine the role of this variant in disease. Therefore, it has been classified as a Variant of Uncertain Significance. Advanced modeling of protein sequence and biophysical properties (such as structural, functional, and spatial information, amino acid conservation, physicochemical variation, residue mobility, and thermodynamic stability) performed at Invitae indicates that this missense variant is not expected to disrupt FBN1 protein function. This variant has not been reported in the literature in individuals affected with FBN1-related conditions. This variant is not present in population databases (gnomAD no frequency). This sequence change replaces threonine, which is neutral and polar, with lysine, which is basic and polar, at codon 1020 of the FBN1 protein (p.Thr1020Lys).

NM_000138.5(FBN1):c.3059C>A (p.Thr1020Lys)

Gene: FBN1 (fibrillin 1; minus strand). Cytogenetic location: 15q21.1.
Variant type: single nucleotide variant.
Coding change: c.3059C>A on transcript NM_000138.5 (MANE Select); coding-DNA position 3059, C replaced by A.
Protein change: p.Thr1020Lys; replaces threonine 1020 with lysine.
Molecular consequence: missense variant.
Genome position (GRCh38, 1-based): chr15:48,489,874, G>T on the plus strand (C>A on the coding strand, the complement: FBN1 is on the minus strand). VCF-style: chr15-48489874-G-T. GRCh37 (hg19) VCF-style: chr15-48782071-G-T.
Other names: c.3059C>A, p.Thr1020Lys (NM_001406716.1); short protein forms T1020K.
Identifiers: ClinVar variation 2946839 (VCV002946839.4), dbSNP rs2043542093, ClinGen allele CA392328923.